The following is an entry in ClinVar:

NM_001367624.2(ZNF469):c.9634G>A (p.Gly3212Arg)

Gene: ZNF469 (zinc finger protein 469; plus strand). Cytogenetic location: 16q24.2.
Variant type: single nucleotide variant.
Coding change: c.9634G>A on transcript NM_001367624.2 (MANE Select); coding-DNA position 9634, G replaced by A.
Protein change: p.Gly3212Arg; replaces glycine 3212 with arginine.
Molecular consequence: missense variant.
Genome position (GRCh38, 1-based): chr16:88,437,104, G>A. VCF-style: chr16-88437104-G-A. GRCh37 (hg19) VCF-style: chr16-88503512-G-A.
Other names: short protein forms G3212R.
Identifiers: ClinVar variation 4537212 (VCV004537212.1).
Genomic context (GRCh38, chr16:88,437,104, plus strand): 5'-GAGCACCTGCGTGAGCACGCGGTCCGCTTCGCCCGCAGGGGGCAGGCGCGGAGGTCCTTG[G>A]GGGACCTGCCCGGAGGCCTGGAGGGCAGCAGCGCTGTCGCCCACCTTCTGAACAGCATCA-3'
Protein context (NP_001354553.1, residues 3202-3222): ARRGQARRSL[Gly3212Arg]DLPGGLEGSS

ClinVar aggregate classification (germline): Uncertain significance (1 of 4 stars; one submission).

Submission:

Women's Health and Genetics/Laboratory Corporation of America, LabCorp
Classification: Uncertain significance. Last evaluated: 2025-11-25. Review status: criteria provided, single submitter. Criteria: LabCorp Variant Classification Summary - May 2015. Collection method: clinical testing. Allele origin: germline.
Comment: Variant summary: ZNF469 c.9634G>A (p.Gly3212Arg) results in a non-conservative amino acid change in the encoded protein sequence. Algorithms developed to predict the effect of missense changes on protein structure and function are either unavailable or do not agree on the potential impact of this missense change. The variant was absent in 138392 control chromosomes (gnomAD). The available data on variant occurrences in the general population are insufficient to allow any conclusion about variant significance. To our knowledge, no occurrence of c.9634G>A in individuals affected with ZNF469-related conditions and no experimental evidence demonstrating its impact on protein function have been reported. No submitters have cited clinical-significance assessments for this variant to ClinVar. Based on the evidence outlined above, the variant was classified as uncertain significance.